The following is an entry in ClinVar:

ClinVar aggregate classification (germline): Likely benign. Review status: criteria provided, multiple submitters, no conflicts (2 of 4 stars). 5 submissions from 5 submitters: Likely benign (5). Last evaluated 2026-05-24.

Conditions:
CACNA1A-related disorder. Also called: CACNA1A-related condition.
Inborn genetic diseases. Identifiers: MedGen C0950123, MeSH D030342.
Developmental and epileptic encephalopathy, 42 (DEE42A). Also called: EPILEPTIC ENCEPHALOPATHY, EARLY INFANTILE, 42A; DEVELOPMENTAL AND EPILEPTIC ENCEPHALOPATHY 42A; Epileptic encephalopathy, early infantile, 42. Identifiers: MedGen C4310716, MONDO:0014917, OMIM 617106.
Episodic ataxia type 2 (EA2). Also called: ACETAZOLAMIDE-RESPONSIVE HEREDITARY PAROXYSMAL CEREBELLAR ATAXIA; ATAXIA, EPISODIC, WITH NYSTAGMUS; ATAXIA, FAMILIAL PAROXYSMAL; CEREBELLAR ATAXIA, PAROXYSMAL, ACETAZOLAMIDE-RESPONSIVE; CEREBELLOPATHY, HEREDITARY PAROXYSMAL; EPISODIC ATAXIA, NYSTAGMUS-ASSOCIATED. Identifiers: Orphanet 97, MedGen C1720416, MONDO:0007163, OMIM 108500.

Allele frequency attached by ClinVar (database versions not stated): gnomAD exomes 0.00003; gnomAD 0.00004 and 0.00005; TOPMed 0.00005; ExAC 0.00016; 1000 Genomes Project 0.00020; 1000 Genomes Project 30x 0.00031.
gnomAD v4.1: 12 of 1,496,122 alleles (0.0008%); highest among the groups gnomAD compares: African/African-American, 0.013%; no homozygotes.

Submissions (5):

PreventionGenetics, part of Exact Sciences
Classification: Likely benign for CACNA1A-related condition. Last evaluated: 2026-05-24. Review status: criteria provided, single submitter. Criteria: ACMG Guidelines, 2015. Collection method: clinical testing. Allele origin: germline.
Comment: This variant is classified as likely benign based on ACMG/AMP sequence variant interpretation guidelines (Richards et al. 2015 PMID: 25741868, with internal and published modifications).

Ambry Genetics
Classification: Likely benign for Inborn genetic diseases. Last evaluated: 2026-04-13. Review status: criteria provided, single submitter. Criteria: Ambry Variant Classification Scheme 2023. Collection method: clinical testing. Allele origin: germline.

Labcorp Genetics (formerly Invitae), Labcorp
Classification: Likely benign for Developmental and epileptic encephalopathy, 42; Episodic ataxia type 2. Last evaluated: 2025-01-30. Review status: criteria provided, single submitter. Criteria: Invitae Variant Classification Sherloc (09022015). Collection method: clinical testing. Allele origin: germline.

Blueprint Genetics
Classification: Likely benign. Last evaluated: 2024-04-22. Review status: criteria provided, single submitter. Criteria: ACMG Guidelines, 2015. Collection method: clinical testing. Allele origin: germline.

GeneDx
Classification: Likely benign. Last evaluated: 2021-09-02. Review status: criteria provided, single submitter. Criteria: GeneDx Variant Classification Process June 2021. Collection method: clinical testing. Allele origin: germline. Affected: yes.

NM_001127222.2(CACNA1A):c.27G>T (p.Pro9=)

Gene: CACNA1A (calcium voltage-gated channel subunit alpha1 A; minus strand). Cytogenetic location: 19p13.13.
Variant type: single nucleotide variant.
Coding change: c.27G>T on transcript NM_001127222.2 (MANE Select); coding-DNA position 27, G replaced by T.
Protein change: p.Pro9=; no amino-acid change (proline 9 retained).
Molecular consequence: synonymous variant.
Genome position (GRCh38, 1-based): chr19:13,506,198, C>A on the plus strand (G>T on the coding strand, the complement: CACNA1A is on the minus strand). VCF-style: chr19-13506198-C-A. GRCh37 (hg19) VCF-style: chr19-13617012-C-A.
Other names: c.27G>T (NM_001127222.1); c.27G>T, p.Pro9= (NM_000068.4, NM_001127221.2, NM_001174080.2 and 1 more transcripts).
Identifiers: ClinVar variation 507058 (VCV000507058.15), dbSNP rs547576283, ClinGen allele CA9241112.